The following is an entry in ClinVar:

NM_003661.4(APOL1):c.1152T>G (p.Ile384Met)

Gene: APOL1 (apolipoprotein L1; plus strand). Cytogenetic location: 22q12.3.
Variant type: single nucleotide variant.
Coding change: c.1152T>G on transcript NM_003661.4 (MANE Select); coding-DNA position 1152, T replaced by G.
Protein change: p.Ile384Met; replaces isoleucine 384 with methionine.
Molecular consequence: missense variant.
Genome position (GRCh38, 1-based): chr22:36,265,988, T>G. VCF-style: chr22-36265988-T-G. GRCh37 (hg19) VCF-style: chr22-36662034-T-G.
Other names: c.1152T>G, p.Ile384Met (NM_001136540.2); c.1098T>G, p.Ile366Met (NM_001136541.2, NM_001362927.2); c.1200T>G, p.Ile400Met (NM_145343.3); short protein forms I400M, I384M, I366M.
Identifiers: ClinVar variation 127198 (VCV000127198.21), dbSNP rs60910145, ClinGen allele CA181104.

ClinVar aggregate classification (germline): Conflicting classifications of pathogenicity; risk factor. Review status: criteria provided, conflicting classifications (1 of 4 stars). 13 submissions from 8 submitters: Likely pathogenic (1); Uncertain significance (1); Benign (4). 6 of the submissions do not count toward it. Last evaluated 2026-02-01.

Conditions:
APOL1-associated kidney disease.
Glomerulonephritis. Also called: Glomerulonephritis (disease). Identifiers: MedGen C0017658, MONDO:0002462, HP:0000099.
Hyalinosis, Segmental Glomerular. Identifiers: MedGen C0086432, MeSH D005923.
Proteinuria. Identifiers: MedGen C0033687, MONDO:0003634, HP:0000093.
Focal segmental glomerulosclerosis 4, susceptibility to (FSGS4). Identifiers: Orphanet 84271, MedGen C2675525, MONDO:0012931, OMIM 612551.
Focal segmental glomerulosclerosis (FSGS). Also called: Glomerulosclerosis, focal; Focal sclerosis with hyalinosis. Identifiers: MedGen C0017668, MONDO:0100313, HP:0000097. Disease mechanism: loss of function.
Nephrotic range proteinuria. Identifiers: MedGen C0445118, HP:0012593.
Sickled erythrocytes. Identifiers: MedGen C2237347, HP:0030058.
Steroid-resistant nephrotic syndrome. Identifiers: MedGen C0403397, MONDO:0044765, HP:0012588.

Allele frequency attached by ClinVar (database versions not stated): gnomAD exomes 0.01554 and 0.00581; ExAC 0.02024; TOPMed 0.06895; ESP Exome Variant Server 0.07559; gnomAD 0.06255 and 0.06710; 1000 Genomes Project 0.06949; 1000 Genomes Project 30x 0.07917.
gnomAD v4.1: 18,029 of 1,612,334 alleles (1.1%); highest among the groups gnomAD compares: African/African-American, 23%; 2,103 homozygotes.

Submissions (13):

Labcorp Genetics (formerly Invitae), Labcorp
Classification: Benign. Last evaluated: 2026-02-01. Review status: criteria provided, single submitter. Criteria: Invitae Variant Classification Sherloc (09022015). Collection method: clinical testing. Allele origin: germline.

Department of Pathology and Laboratory Medicine, Sinai Health System
Classification: Likely pathogenic for Focal segmental glomerulosclerosis 4, susceptibility to. Last evaluated: 2023-09-15. Review status: criteria provided, single submitter. Criteria: ACMG Guidelines, 2015. Collection method: research. Allele origin: germline.

Clinical Genomics Laboratory, Washington University in St. Louis
Classification: Uncertain significance for APOL1-associated kidney disease. Last evaluated: 2023-08-29. Review status: criteria provided, single submitter. Criteria: ACMG Guidelines, 2015. Collection method: clinical testing. Allele origin: germline.
Comment: Sequence analysis identified the presence of a single APOL1 risk allele in a heterozygous state (G1). The G1 allele is composed of two missense variants: G1G (p.S342G) and G1M (p.I384M). APOL1 risk alleles occur at high frequency among populations of African ancestry (22-24% and 13-14% for G1 and G2, respectively) and are absent or nearly absent from other populations. Inheriting two risk variants greatly increases risk of kidney disease, whereas inheriting one risk allele confers minimal or no risk (Friedman DJ et al., PMID: 32616495). APOL1-associated kidney disease includes focal segmental glomerulosclerosis, CKD associated with hypertension, HIV, systemic lupus erythematosus (SLE), and sickle cell disease, among others (Friedman DJ et al., PMID: 32616495).

Mendelics
Classification: Benign. Last evaluated: 2022-05-04. Review status: criteria provided, single submitter. Criteria: Mendelics Assertion Criteria 2019. Collection method: clinical testing. Allele origin: germline.

Laboratory for Molecular Medicine, Mass General Brigham Personalized Medicine
Classification: risk factor for Hyalinosis, Segmental Glomerular. Last evaluated: 2020-03-04. Review status: criteria provided, single submitter. Criteria: LMM Criteria. Collection method: clinical testing. Allele origin: germline. Inheritance: Autosomal recessive inheritance. Observed: 18 variant alleles.
Comment: See compound allele p.[Ser342Gly; Ile384Met]

GeneDx
Classification: Benign. Last evaluated: 2019-02-08. Review status: criteria provided, single submitter. Criteria: GeneDx Variant Classification Process June 2021. Collection method: clinical testing. Allele origin: germline. Affected: yes.
Comment: The G1 allele comprises two single nucleotide polymorphisms (c.[1024A>G;1152T>G], p.[Ser342Gly;Ile384Met]), however, the risk associated with the G1 allele is considered to be due to only the c.1024A>G, p.Ser342Gly variant (Kopp et al., 2011). The other polymorphism (c.1152T>G, p.Ile384Met) associated with the G1 allele does not confer an increased risk in isolation (Kruzel-Davila et al., 2017); In silico analysis supports that this missense variant does not alter protein structure/function; This variant is associated with the following publications: (PMID: 32581362, 27650483, 30173819, 28696248, 20647424, 20635188, 24206458, 22832513, 25993319, 24518129, 23768513, 24379297)

Breakthrough Genomics
Classification: Benign. Review status: criteria provided, single submitter. Criteria: ACMG Guidelines, 2015. Collection method: not provided. Allele origin: germline. Inheritance: Unknown mechanism. Affected: yes.

NIHR Bioresource Rare Diseases, University of Cambridge
Classification: Pathogenic for Proteinuria. Review status: no assertion criteria provided. Collection method: research. Allele origin: unknown. Affected: yes. Observed: 1 variant allele. Not counted in ClinVar's aggregate classification.

NIHR Bioresource Rare Diseases, University of Cambridge
Classification: Pathogenic for Focal segmental glomerulosclerosis. Review status: no assertion criteria provided. Collection method: research. Allele origin: unknown. Affected: yes. Observed: 5 variant alleles. Not counted in ClinVar's aggregate classification.

NIHR Bioresource Rare Diseases, University of Cambridge
Classification: Pathogenic for Focal segmental glomerulosclerosis; Steroid-resistant nephrotic syndrome. Review status: no assertion criteria provided. Collection method: research. Allele origin: unknown. Affected: yes. Observed: 3 variant alleles. Not counted in ClinVar's aggregate classification.

NIHR Bioresource Rare Diseases, University of Cambridge
Classification: Pathogenic for Focal segmental glomerulosclerosis; Sickled erythrocytes. Review status: no assertion criteria provided. Collection method: research. Allele origin: unknown. Affected: yes. Observed: 1 variant allele. Not counted in ClinVar's aggregate classification.

NIHR Bioresource Rare Diseases, University of Cambridge
Classification: Pathogenic for Glomerulonephritis. Review status: no assertion criteria provided. Collection method: research. Allele origin: unknown. Affected: yes. Observed: 1 variant allele. Not counted in ClinVar's aggregate classification.

NIHR Bioresource Rare Diseases, University of Cambridge
Classification: Pathogenic for Nephrotic range proteinuria. Review status: no assertion criteria provided. Collection method: research. Allele origin: unknown. Affected: yes. Observed: 1 variant allele. Not counted in ClinVar's aggregate classification.

Literature cited by the submitters: PubMed 24206458 (cited by Laboratory for Molecular Medicine, Mass General Brigham Personalized Medicine); PubMed 32581362 (cited by NIHR Bioresource Rare Diseases, University of Cambridge).